The following is an entry in ClinVar:

NM_001999.4(FBN2):c.7960+13T>G

Gene: FBN2 (fibrillin 2; minus strand). Cytogenetic location: 5q23.3.
Variant type: single nucleotide variant.
Coding change: c.7960+13T>G on transcript NM_001999.4 (MANE Select); 13 bases into the intron after coding-DNA position 7960, T replaced by G.
Molecular consequence: intron variant.
Genome position (GRCh38, 1-based): chr5:128,271,986, A>C on the plus strand (T>G on the coding strand, the complement: FBN2 is on the minus strand). VCF-style: chr5-128271986-A-C. GRCh37 (hg19) VCF-style: chr5-127607678-A-C.
Identifiers: ClinVar variation 383839 (VCV000383839.4), dbSNP rs1023942727, ClinGen allele CA16604779.

ClinVar aggregate classification (germline): Likely benign. Review status: criteria provided, multiple submitters, no conflicts (2 of 4 stars). 2 submissions from 2 submitters: Likely benign (2). Last evaluated 2026-01-08.

Conditions:
Congenital contractural arachnodactyly (CCA). Also called: BEALS SYNDROME; Beals-Hecht syndrome; Arthrogryposis, distal, type 9. Identifiers: Orphanet 115, MedGen C0220668, MONDO:0007363, OMIM 121050.

Allele frequency attached by ClinVar (database versions not stated): TOPMed 0.00002; gnomAD exomes below 0.00001 and 0.00003; gnomAD 0.00002.
gnomAD v4.1: 42 of 1,613,830 alleles (0.0026%); highest among the groups gnomAD compares: Non-Finnish European, 0.0035%; no homozygotes.

Submissions (2):

Labcorp Genetics (formerly Invitae), Labcorp
Classification: Likely benign for Congenital contractural arachnodactyly. Last evaluated: 2026-01-08. Review status: criteria provided, single submitter. Criteria: Invitae Variant Classification Sherloc (09022015). Collection method: clinical testing. Allele origin: germline.

GeneDx
Classification: Likely benign. Last evaluated: 2016-02-18. Review status: criteria provided, single submitter. Criteria: GeneDx Variant Classification (06012015). Collection method: clinical testing. Allele origin: germline. Affected: yes.
Comment: This variant is considered likely benign or benign based on one or more of the following criteria: it is a conservative change, it occurs at a poorly conserved position in the protein, it is predicted to be benign by multiple in silico algorithms, and/or has population frequency not consistent with disease.